The following is an entry in ClinVar:

ClinVar aggregate classification (germline): Uncertain significance (1 of 4 stars; one submission).

Conditions:
Epidermodysplasia verruciformis. Identifiers: Orphanet 302, MedGen C0014522, MONDO:0009176.

gnomAD v4.1: 1 of 1,611,484 alleles (0.000062%); no homozygotes.

Submission:

Labcorp Genetics (formerly Invitae), Labcorp
Classification: Uncertain significance for Epidermodysplasia verruciformis. Last evaluated: 2024-05-31. Review status: criteria provided, single submitter. Criteria: Invitae Variant Classification Sherloc (09022015). Collection method: clinical testing. Allele origin: germline.
Comment: This sequence change replaces glycine, which is neutral and non-polar, with aspartic acid, which is acidic and polar, at codon 377 of the TMC6 protein (p.Gly377Asp). This variant is not present in population databases (gnomAD no frequency). This variant has not been reported in the literature in individuals affected with TMC6-related conditions. An algorithm developed to predict the effect of missense changes on protein structure and function (PolyPhen-2) suggests that this variant is likely to be disruptive. In summary, the available evidence is currently insufficient to determine the role of this variant in disease. Therefore, it has been classified as a Variant of Uncertain Significance.

NM_001127198.5(TMC6):c.1130G>A (p.Gly377Asp)

Gene: TMC6 (transmembrane channel like 6; minus strand). Cytogenetic location: 17q25.3.
Variant type: single nucleotide variant.
Coding change: c.1130G>A on transcript NM_001127198.5 (MANE Select); coding-DNA position 1130, G replaced by A.
Protein change: p.Gly377Asp; replaces glycine 377 with aspartic acid.
Molecular consequence: missense variant. On other transcripts: non-coding transcript variant (4).
Genome position (GRCh38, 1-based): chr17:78,122,702, C>T on the plus strand (G>A on the coding strand, the complement: TMC6 is on the minus strand). VCF-style: chr17-78122702-C-T. GRCh37 (hg19) VCF-style: chr17-76118783-C-T.
Other names: c.1130G>A, p.Gly377Asp (NM_007267.7, NM_001321185.1, NM_001374593.1 and 4 more transcripts); short protein forms G377D.
Identifiers: ClinVar variation 3655175 (VCV003655175.2).
Genomic context (GRCh38, chr17:78,122,702, plus strand): 5'-GAGGCCCGCTTCTGCGTCACCTTGTAGTCCCAGGAGCAGAAGACGGTGATGGCGTGGATG[C>T]CAGAGGTGCTGCCCACCCGGTAGCTCTCCCCGAAAGAGTGAGCCATGCTGGGGAGAAGCA-3'
Protein context (NP_001120670.1, residues 367-387): GESYRVGSTS[Gly377Asp]IHAITVFCSW